The following is an entry in ClinVar:

ClinVar aggregate classification (germline): Conflicting classifications of pathogenicity. Review status: criteria provided, conflicting classifications (1 of 4 stars). 2 submissions from 2 submitters: Uncertain significance (1); Likely benign (1). Last evaluated 2023-10-14.

Conditions:
Long QT syndrome (LQTS). Identifiers: MedGen C0023976, MeSH D008133, MONDO:0002442. Disease mechanism: loss of function. Inheritance: Various modes of inheritance.
Cardiovascular phenotype. Identifiers: MedGen CN230736.

Allele frequency attached by ClinVar (database versions not stated): TOPMed below 0.00001.

Submissions (2):

Labcorp Genetics (formerly Invitae), Labcorp
Classification: Uncertain significance for Long QT syndrome. Last evaluated: 2023-10-14. Review status: criteria provided, single submitter. Criteria: Invitae Variant Classification Sherloc (09022015). Collection method: clinical testing. Allele origin: germline.
Comment: This sequence change replaces isoleucine, which is neutral and non-polar, with methionine, which is neutral and non-polar, at codon 1538 of the AKAP9 protein (p.Ile1538Met). This variant is not present in population databases (gnomAD no frequency). This variant has not been reported in the literature in individuals affected with AKAP9-related conditions. ClinVar contains an entry for this variant (Variation ID: 1741912). Algorithms developed to predict the effect of missense changes on protein structure and function output the following: SIFT: "Not Available"; PolyPhen-2: "Benign"; Align-GVGD: "Not Available". The methionine amino acid residue is found in multiple mammalian species, which suggests that this missense change does not adversely affect protein function. In summary, the available evidence is currently insufficient to determine the role of this variant in disease. Therefore, it has been classified as a Variant of Uncertain Significance.

Ambry Genetics
Classification: Likely benign for Cardiovascular phenotype. Last evaluated: 2022-07-27. Review status: criteria provided, single submitter. Criteria: Ambry Variant Classification Scheme 2023. Collection method: clinical testing. Allele origin: germline.

NM_005751.5(AKAP9):c.4614A>G (p.Ile1538Met)

Gene: AKAP9 (A-kinase anchoring protein 9; plus strand). Cytogenetic location: 7q21.2.
Variant type: single nucleotide variant.
Coding change: c.4614A>G on transcript NM_005751.5 (MANE Select); coding-DNA position 4614, A replaced by G.
Protein change: p.Ile1538Met; replaces isoleucine 1538 with methionine.
Molecular consequence: missense variant.
Genome position (GRCh38, 1-based): chr7:92,038,694, A>G. VCF-style: chr7-92038694-A-G. GRCh37 (hg19) VCF-style: chr7-91668008-A-G.
Other names: c.4614A>G, p.Ile1538Met (NM_147185.3); short protein forms I1538M.
Identifiers: ClinVar variation 1741912 (VCV001741912.4), dbSNP rs1487757753, ClinGen allele CA368129164.
Genomic context (GRCh38, chr7:92,038,694, plus strand): 5'-TAAAGAGTTAGGAGAACATGGAAAGGAAATTTTATTATCAAATAGTGATCCCCATGATAT[A>G]CCAGAATCAAAGGACTGTGTGCTGACTATTTCAGAAGAAATGTTCTCCAAAGATAAAACA-3'
Protein context (NP_005742.4, residues 1528-1548): ILLSNSDPHD[Ile1538Met]PESKDCVLTI